The following is an entry in ClinVar:

ClinVar aggregate classification (germline): Likely pathogenic (1 of 4 stars; one submission).

Conditions:
Severe intellectual disability-poor language-strabismus-grimacing face-long fingers syndrome (GAND). Also called: GAND SYNDROME. Identifiers: Orphanet 363686, MedGen C3554448, MONDO:0014034, OMIM 615074.

Submission:

Molecular Genetics Department, Kulakov National Medical Research Center for Obstetrics, Gynecology and Perinatology
Classification: Likely pathogenic for Severe intellectual disability-poor language-strabismus-grimacing face-long fingers syndrome. Review status: criteria provided, single submitter. Criteria: ACMG Guidelines, 2015. Collection method: clinical testing. Allele origin: germline. Affected: yes. Observed: 1 variant allele.
Comment: A previously undescribed heterozygous nucleotide variant creates a frameshift p.Asn150IlefsTer6 in the GATAD2B gene. Heterozygous variants leading to loss of full-length protein are reported in patients with GAND syndrome, 615074. The variant is not present in population database (gnomAD no frequency). In summary, the currently available evidence indicates that the variant is pathogenic, but additional data are needed to prove that conclusively. Therefore, this variant has been classified as likely pathogenic.

NM_020699.4(GATAD2B):c.450dup (p.Glu152fs)

Gene: GATAD2B (GATA zinc finger domain containing 2B; minus strand). Cytogenetic location: 1q21.3.
Variant type: Duplication.
Coding change: c.450dup on transcript NM_020699.4 (MANE Select); coding-DNA position 450, one base duplicated (C; older notation c.450dupC).
Protein change: p.Glu152fs; shifts the reading frame from glutamic acid 152.
Molecular consequence: frameshift variant.
Genome position (GRCh38, 1-based): chr1:153,819,621, G duplicated on the plus strand (C on the coding strand, the reverse complement: GATAD2B is on the minus strand). VCF-style (leftmost placement, unchanged base first): chr1-153819620-A-AG. GRCh37 (hg19) VCF-style: chr1-153792096-A-AG.
Other names: short protein forms E152fs.
Identifiers: ClinVar variation 4294447 (VCV004294447.1).